The following is an entry in ClinVar:

NC_000019.9:g.(?_54622530)_(54626860_?)del

Gene: PRPF31 (pre-mRNA processing factor 31; plus strand). Cytogenetic location: 19q13.42.
Variant type: Deletion.
Identifiers: ClinVar variation 2426200 (VCV002426200.5).

ClinVar aggregate classification (germline): Pathogenic (1 of 4 stars; one submission).

Submission:

Labcorp Genetics (formerly Invitae), Labcorp
Classification: Pathogenic. Last evaluated: 2023-07-17. Review status: criteria provided, single submitter. Criteria: Invitae Variant Classification Sherloc (09022015). Collection method: clinical testing. Allele origin: germline.
Comment: This variant results in the deletion of exons 4-5 and part of exon 6 (c.238+517_448del) of the PRPF31 gene. It is expected to disrupt RNA splicing. Variants that disrupt the donor or acceptor splice site typically lead to a loss of protein function (PMID: 16199547), and loss-of-function variants in PRPF31 are known to be pathogenic (PMID: 18317597, 23950152). This variant has not been reported in the literature in individuals affected with PRPF31-related conditions. This variant disrupts a region of the PRPF31 protein in which other variant(s) (p.Ile110del (also known as p.Ile109del)) have been determined to be pathogenic (PMID: 23559859). This suggests that this is a clinically significant region of the protein, and that variants that disrupt it are likely to be disease-causing. For these reasons, this variant has been classified as Pathogenic.

Literature cited by the submitters: PubMed 16199547; PubMed 18317597; PubMed 23950152; PubMed 23559859.